The following is an entry in ClinVar:

NM_000553.6(WRN):c.1525G>A (p.Glu509Lys)

Gene: WRN (WRN RecQ like helicase; plus strand). Cytogenetic location: 8p12.
Variant type: single nucleotide variant.
Coding change: c.1525G>A on transcript NM_000553.6 (MANE Select); coding-DNA position 1525, G replaced by A.
Protein change: p.Glu509Lys; replaces glutamic acid 509 with lysine.
Molecular consequence: missense variant.
Genome position (GRCh38, 1-based): chr8:31,087,869, G>A. VCF-style: chr8-31087869-G-A. GRCh37 (hg19) VCF-style: chr8-30945385-G-A.
Other names: short protein forms E509K.
Identifiers: ClinVar variation 2829683 (VCV002829683.3), dbSNP rs2535924403, ClinGen allele CA370924610.

ClinVar aggregate classification (germline): Uncertain significance (1 of 4 stars; one submission).

Conditions:
Werner syndrome (WRN). Identifiers: Orphanet 902, MedGen C0043119, MONDO:0010196, OMIM 277700.

Submission:

Labcorp Genetics (formerly Invitae), Labcorp
Classification: Uncertain significance for Werner syndrome. Last evaluated: 2023-01-17. Review status: criteria provided, single submitter. Criteria: Invitae Variant Classification Sherloc (09022015). Collection method: clinical testing. Allele origin: germline.
Comment: In summary, the available evidence is currently insufficient to determine the role of this variant in disease. Therefore, it has been classified as a Variant of Uncertain Significance. An algorithm developed to predict the effect of missense changes on protein structure and function (PolyPhen-2) suggests that this variant is likely to be tolerated. This variant has not been reported in the literature in individuals affected with WRN-related conditions. This variant is not present in population databases (gnomAD no frequency). This sequence change replaces glutamic acid, which is acidic and polar, with lysine, which is basic and polar, at codon 509 of the WRN protein (p.Glu509Lys).